The following is an entry in ClinVar:

ClinVar aggregate classification (germline): Uncertain significance. Review status: criteria provided, multiple submitters, no conflicts (2 of 4 stars). 3 submissions from 3 submitters: Uncertain significance (3). Last evaluated 2024-10-29.

Conditions:
Retinitis pigmentosa 57 (RP57). Identifiers: Orphanet 791, MedGen C3150821, MONDO:0013315, OMIM 613582.

Allele frequency attached by ClinVar (database versions not stated): ExAC 0.00002; gnomAD exomes 0.00002; gnomAD 0.00003 and 0.00004; TOPMed 0.00005; ESP Exome Variant Server 0.00008.
gnomAD v4.1: 35 of 1,613,728 alleles (0.0022%); highest among the groups gnomAD compares: Non-Finnish European, 0.0028%; no homozygotes.

Submissions (3):

Labcorp Genetics (formerly Invitae), Labcorp
Classification: Uncertain significance. Last evaluated: 2024-10-29. Review status: criteria provided, single submitter. Criteria: Invitae Variant Classification Sherloc (09022015). Collection method: clinical testing. Allele origin: germline.
Comment: This sequence change falls in intron 2 of the PDE6G gene. It does not directly change the encoded amino acid sequence of the PDE6G protein. It affects a nucleotide within the consensus splice site. This variant is present in population databases (rs373121071, gnomAD 0.006%). This variant has not been reported in the literature in individuals affected with PDE6G-related conditions. ClinVar contains an entry for this variant (Variation ID: 1054484). Variants that disrupt the consensus splice site are a relatively common cause of aberrant splicing (PMID: 17576681, 9536098). Algorithms developed to predict the effect of sequence changes on RNA splicing suggest that this variant is not likely to affect RNA splicing. In summary, the available evidence is currently insufficient to determine the role of this variant in disease. Therefore, it has been classified as a Variant of Uncertain Significance.

Blueprint Genetics
Classification: Uncertain significance. Last evaluated: 2024-10-10. Review status: criteria provided, single submitter. Criteria: ACMG Guidelines, 2015. Collection method: clinical testing. Allele origin: germline.

Laboratory of Medical Genetics, National & Kapodistrian University of Athens
Classification: Uncertain significance for Retinitis pigmentosa 57. Last evaluated: 2022-03-28. Review status: criteria provided, single submitter. Criteria: ACMG Guidelines, 2015. Collection method: clinical testing. Allele origin: germline. Affected: yes.
Comment: PM2, PP3

Literature cited by the submitters: PubMed 17576681 (cited by Labcorp Genetics (formerly Invitae), Labcorp); PubMed 9536098 (cited by Labcorp Genetics (formerly Invitae), Labcorp).

NM_002602.4(PDE6G):c.146+4A>G

Gene: PDE6G (phosphodiesterase 6G; minus strand). Cytogenetic location: 17q25.3.
Variant type: single nucleotide variant.
Coding change: c.146+4A>G on transcript NM_002602.4 (MANE Select); 4 bases into the intron after coding-DNA position 146, A replaced by G.
Molecular consequence: intron variant.
Genome position (GRCh38, 1-based): chr17:81,653,156, T>C on the plus strand (A>G on the coding strand, the complement: PDE6G is on the minus strand). VCF-style: chr17-81653156-T-C. GRCh37 (hg19) VCF-style: chr17-79620186-T-C.
Other names: c.146+4A>G (NM_001365724.1, NM_001365725.1).
Identifiers: ClinVar variation 1054484 (VCV001054484.8), dbSNP rs373121071, ClinGen allele CA8839053.